The following is an entry in ClinVar:

ClinVar aggregate classification (germline): Uncertain significance (1 of 4 stars; one submission).

Conditions:
Ataxia-telangiectasia syndrome (AT). Also called: LOUIS-BAR SYNDROME; AT, COMPLEMENTATION GROUP C; Ataxia-telangiectasia, complementation group E; Ataxia telangiectasia (A-T); ATAXIA-TELANGIECTASIA, COMPLEMENTATION GROUP A; ATAXIA-TELANGIECTASIA, FRESNO VARIANT. Identifiers: Orphanet 100, MedGen C0004135, MONDO:0008840, OMIM 208900.

Submission:

Labcorp Genetics (formerly Invitae), Labcorp
Classification: Uncertain significance for Ataxia-telangiectasia syndrome. Last evaluated: 2024-10-24. Review status: criteria provided, single submitter. Criteria: Invitae Variant Classification Sherloc (09022015). Collection method: clinical testing. Allele origin: germline.
Comment: This sequence change falls in intron 26 of the ATM gene. It does not directly change the encoded amino acid sequence of the ATM protein. This variant is not present in population databases (gnomAD no frequency). This variant has not been reported in the literature in individuals affected with ATM-related conditions. ClinVar contains an entry for this variant (Variation ID: 2039046). Studies have shown that this variant is associated with inconclusive levels of altered splicing (internal data). In summary, the available evidence is currently insufficient to determine the role of this variant in disease. Therefore, it has been classified as a Variant of Uncertain Significance.

NM_000051.4(ATM):c.3993+19T>G

Gene: ATM (ATM serine/threonine kinase; plus strand). Cytogenetic location: 11q22.3.
Variant type: single nucleotide variant.
Coding change: c.3993+19T>G on transcript NM_000051.4 (MANE Select); 19 bases into the intron after coding-DNA position 3993, T replaced by G.
Molecular consequence: intron variant.
Genome position (GRCh38, 1-based): chr11:108,284,492, T>G. VCF-style: chr11-108284492-T-G. GRCh37 (hg19) VCF-style: chr11-108155219-T-G.
Other names: c.3993+19T>G (NM_001351834.2).
Identifiers: ClinVar variation 2039046 (VCV002039046.3), dbSNP rs1025265562, ClinGen allele CA2580083319.